The following is an entry in ClinVar:

NM_020975.6(RET):c.3302T>A (p.Leu1101His)

Gene: RET (ret proto-oncogene; plus strand). Cytogenetic location: 10q11.21.
Variant type: single nucleotide variant.
Coding change: c.3302T>A on transcript NM_020975.6 (MANE Select); coding-DNA position 3302, T replaced by A.
Protein change: p.Leu1101His; replaces leucine 1101 with histidine.
Molecular consequence: missense variant. On other transcripts: 3 prime UTR variant (18), intron variant (3).
Genome position (GRCh38, 1-based): chr10:43,128,226, T>A. VCF-style: chr10-43128226-T-A. GRCh37 (hg19) VCF-style: chr10-43623674-T-A.
Other names: c.*1472T>A (NM_001355216.2, NM_001406764.1, NM_001406765.1 and 15 more transcripts); c.3302T>A, p.Leu1101His (NM_001406743.1); c.3242T>A, p.Leu1081His (NM_001406759.1, NM_001406760.1); c.3173T>A, p.Leu1058His (NM_001406761.1, NM_001406762.1); c.3167T>A, p.Leu1056His (NM_001406763.1); c.3014T>A, p.Leu1005His (NM_001406766.1, NM_001406767.1); c.2906T>A, p.Leu969His (NM_001406769.1); c.2864T>A, p.Leu955His (NM_001406771.1); and 10 more; short protein forms L1005H, L1056H, L1058H, L1081H, L1101H, L598H, L618H, L706H.
Identifiers: ClinVar variation 3387610 (VCV003387610.1).

ClinVar aggregate classification (germline): Uncertain significance (1 of 4 stars; one submission).

Conditions:
Multiple endocrine neoplasia, type 2 (MEN2). Identifiers: Orphanet 653, MedGen C4048306, MONDO:0019003. Disease mechanism: gain of function.

Submission:

All of Us Research Program, National Institutes of Health
Classification: Uncertain significance for Multiple endocrine neoplasia, type 2. Last evaluated: 2024-06-17. Review status: criteria provided, single submitter. Criteria: ACMG Guidelines, 2015. Collection method: clinical testing. Allele origin: germline. Inheritance: Autosomal dominant inheritance. Observed: 1 variant allele, 1 heterozygote.
Comment: This missense variant replaces leucine with histidine at codon 1101 of the RET protein. Computational prediction suggests that this variant may not impact protein structure and function (internally defined REVEL score threshold <= 0.5, PMID: 27666373). To our knowledge, functional studies have not been reported for this variant. This variant has not been reported in individuals affected with RET-related disorders in the literature. This variant has not been identified in the general population by the Genome Aggregation Database (gnomAD). The available evidence is insufficient to determine the role of this variant in disease conclusively. Therefore, this variant is classified as a Variant of Uncertain Significance.

This study involves interpretation of variants in research participants for the purpose of population health screening. Participant phenotype was not available at the time of variant classification. Additional details can be found in publication PMID: 35346344, PMCID: PMC8962531